The following is an entry in ClinVar:

ClinVar aggregate classification (germline): Uncertain significance (1 of 4 stars; one submission).

Conditions:
Myofibrillar myopathy 4. Also called: Zaspopathy (type). Identifiers: Orphanet 98912, MedGen C4721886, MONDO:0012277, OMIM 609452.

Allele frequency attached by ClinVar (database versions not stated): gnomAD exomes 0.00003; ExAC 0.00004.
gnomAD v4.1: 40 of 1,613,916 alleles (0.0025%); highest among the groups gnomAD compares: South Asian, 0.037%; no homozygotes.

Submission:

Labcorp Genetics (formerly Invitae), Labcorp
Classification: Uncertain significance for Myofibrillar myopathy 4. Last evaluated: 2024-04-29. Review status: criteria provided, single submitter. Criteria: Invitae Variant Classification Sherloc (09022015). Collection method: clinical testing. Allele origin: germline.
Comment: The LDB3 gene has multiple clinically relevant transcripts. This variant occurs in alternate transcript NM_007078.3, and corresponds to NM_001080116.1:c.*19486C>T in the primary transcript. This sequence change falls in intron 12 of the LDB3 gene. It does not directly change the encoded amino acid sequence of the LDB3 protein. This variant is present in population databases (rs766764475, gnomAD 0.03%). This variant has not been reported in the literature in individuals affected with LDB3-related conditions. Experimental studies and prediction algorithms are not available or were not evaluated, and the effect of this variant on mRNA splicing is currently unknown. In summary, the available evidence is currently insufficient to determine the role of this variant in disease. Therefore, it has been classified as a Variant of Uncertain Significance.

NM_007078.3(LDB3):c.1978+13C>T

Gene: LDB3 (LIM domain binding 3; plus strand). Cytogenetic location: 10q23.2.
Variant type: single nucleotide variant.
Coding change: c.1978+13C>T on transcript NM_007078.3 (MANE Select); 13 bases into the intron after coding-DNA position 1978, C replaced by T.
Molecular consequence: intron variant.
Genome position (GRCh38, 1-based): chr10:86,718,860, C>T. VCF-style: chr10-86718860-C-T. GRCh37 (hg19) VCF-style: chr10-88478617-C-T.
Other names: c.1789+13C>T (NM_001368064.1, NM_001368065.1); c.1993+13C>T (NM_001171610.2); c.1837+13C>T (NM_001368066.1); c.1648+13C>T (NM_001080114.2).
Identifiers: ClinVar variation 3022741 (VCV003022741.3), dbSNP rs766764475, ClinGen allele CA5585279.